The following is an entry in ClinVar:

ClinVar aggregate classification (germline): Uncertain significance (1 of 4 stars; one submission).

Conditions:
Familial thoracic aortic aneurysm and aortic dissection (TAAD). Also called: Thoracic aortic aneurysms and dissections. Identifiers: Orphanet 91387, MedGen C4707243, MONDO:0019625.

Submission:

Ambry Genetics
Classification: Uncertain significance for Familial thoracic aortic aneurysm and aortic dissection. Last evaluated: 2022-08-24. Review status: criteria provided, single submitter. Criteria: Ambry Variant Classification Scheme 2023. Collection method: clinical testing. Allele origin: germline.
Comment: The p.A2478G variant (also known as c.7433C>G), located in coding exon 34 of the NOTCH1 gene, results from a C to G substitution at nucleotide position 7433. The alanine at codon 2478 is replaced by glycine, an amino acid with similar properties. This amino acid position is conserved. In addition, this alteration is predicted to be tolerated by in silico analysis. Since supporting evidence is limited at this time, the clinical significance of this alteration remains unclear.

NM_017617.5(NOTCH1):c.7433C>G (p.Ala2478Gly)

Gene: NOTCH1 (notch receptor 1; minus strand). Cytogenetic location: 9q34.3.
Variant type: single nucleotide variant.
Coding change: c.7433C>G on transcript NM_017617.5 (MANE Select); coding-DNA position 7433, C replaced by G.
Protein change: p.Ala2478Gly; replaces alanine 2478 with glycine.
Molecular consequence: missense variant.
Genome position (GRCh38, 1-based): chr9:136,496,306, G>C on the plus strand (C>G on the coding strand, the complement: NOTCH1 is on the minus strand). VCF-style: chr9-136496306-G-C. GRCh37 (hg19) VCF-style: chr9-139390758-G-C.
Other names: short protein forms A2478G.
Identifiers: ClinVar variation 1758895 (VCV001758895.2), dbSNP rs2133314848, ClinGen allele CA375626316.
Genomic context (GRCh38, chr9:136,496,306, plus strand): 5'-GGGGTGTTGTCCACAGGCGAGGAGTAGCTGTGCTGCGAGGGGGGCGTCAGGAACTGGGCT[G>C]CGGTCACGGGTGGGACCAGCGAGGATGGCAGCGACGTGGGCAGGGCGGGGCTCTCCTGGG-3'
Protein context (NP_060087.3, residues 2468-2488): LPSSLVPPVT[Ala2478Gly]AQFLTPPSQH